The following is an entry in ClinVar:

ClinVar aggregate classification (germline): Uncertain significance (1 of 4 stars; one submission).

Submission:

Labcorp Genetics (formerly Invitae), Labcorp
Classification: Uncertain significance. Last evaluated: 2025-02-10. Review status: criteria provided, single submitter. Criteria: Invitae Variant Classification Sherloc (09022015). Collection method: clinical testing. Allele origin: germline.
Comment: This sequence change replaces alanine, which is neutral and non-polar, with glutamic acid, which is acidic and polar, at codon 74 of the GRIN2D protein (p.Ala74Glu). The frequency data for this variant in the population databases is considered unreliable, as metrics indicate insufficient coverage at this position in the gnomAD database. This variant has not been reported in the literature in individuals affected with GRIN2D-related conditions. ClinVar contains an entry for this variant (Variation ID: 1493963). Invitae Evidence Modeling of protein sequence and biophysical properties (such as structural, functional, and spatial information, amino acid conservation, physicochemical variation, residue mobility, and thermodynamic stability) indicates that this missense variant is not expected to disrupt GRIN2D protein function with a negative predictive value of 80%. In summary, the available evidence is currently insufficient to determine the role of this variant in disease. Therefore, it has been classified as a Variant of Uncertain Significance.

NM_000836.4(GRIN2D):c.221C>A (p.Ala74Glu)

Gene: GRIN2D (glutamate ionotropic receptor NMDA type subunit 2D; plus strand). Cytogenetic location: 19q13.33.
Variant type: single nucleotide variant.
Coding change: c.221C>A on transcript NM_000836.4 (MANE Select); coding-DNA position 221, C replaced by A.
Protein change: p.Ala74Glu; replaces alanine 74 with glutamic acid.
Molecular consequence: missense variant.
Genome position (GRCh38, 1-based): chr19:48,398,613, C>A. VCF-style: chr19-48398613-C-A. GRCh37 (hg19) VCF-style: chr19-48901870-C-A.
Other names: short protein forms A74E.
Identifiers: ClinVar variation 1493963 (VCV001493963.7), dbSNP rs1265101003, ClinGen allele CA406688566.